The following is an entry in ClinVar:

ClinVar aggregate classification (germline): Uncertain significance (1 of 4 stars; one submission).

Conditions:
ANK1-related disorder. Also called: ANK1-related condition.

Allele frequency attached by ClinVar (database versions not stated): gnomAD exomes below 0.00001.

Submission:

PreventionGenetics, part of Exact Sciences
Classification: Uncertain significance for ANK1-related condition. Last evaluated: 2023-02-08. Review status: criteria provided, single submitter. Criteria: ACMG Guidelines, 2015. Collection method: clinical testing. Allele origin: germline.
Comment: The ANK1 c.829C>T variant is predicted to result in the amino acid substitution p.His277Tyr. To our knowledge, this variant has not been reported in the literature or in a large population database, indicating this variant is rare. A different missense change at the same amino acid position, c.830A>G (p.His277Arg) has been reported in a patient with hereditary spherocytosis and was interpreted as pathogenic (Table S3 Choi HS et al 2019. PubMed ID: 31122244). Although we suspect that this variant may be pathogenic, at this time, the clinical significance of this variant is uncertain due to the absence of conclusive functional and genetic evidence.

NM_000037.4(ANK1):c.829C>T (p.His277Tyr)

Gene: ANK1 (ankyrin 1; minus strand). Cytogenetic location: 8p11.21.
Variant type: single nucleotide variant.
Coding change: c.829C>T on transcript NM_000037.4 (MANE Select); coding-DNA position 829, C replaced by T.
Protein change: p.His277Tyr; replaces histidine 277 with tyrosine.
Molecular consequence: missense variant.
Genome position (GRCh38, 1-based): chr8:41,723,205, G>A on the plus strand (C>T on the coding strand, the complement: ANK1 is on the minus strand). VCF-style: chr8-41723205-G-A. GRCh37 (hg19) VCF-style: chr8-41580723-G-A.
Other names: c.928C>T, p.His310Tyr (NM_001142446.2); c.829C>T, p.His277Tyr (NM_020475.3, NM_020476.3, NM_020477.3); short protein forms H277Y, H310Y.
Identifiers: ClinVar variation 2630157 (VCV002630157.1), dbSNP rs2486963379, ClinGen allele CA371042153.